The following is an entry in ClinVar:

ClinVar aggregate classification (germline): Uncertain significance (1 of 4 stars; one submission).

Conditions:
DICER1-related tumor predisposition. Also called: DICER1-related pleuropulmonary blastoma cancer predisposition syndrome; DICER1 syndrome. Identifiers: Orphanet 284343, MedGen C3839822, MONDO:0100216.

gnomAD v4.1: 1 of 1,614,170 alleles (0.000062%); highest among the groups gnomAD compares: Non-Finnish European, 0.000085%; no homozygotes.

Submission:

Labcorp Genetics (formerly Invitae), Labcorp
Classification: Uncertain significance for DICER1-related tumor predisposition. Last evaluated: 2024-04-17. Review status: criteria provided, single submitter. Criteria: Invitae Variant Classification Sherloc (09022015). Collection method: clinical testing. Allele origin: germline.
Comment: This sequence change replaces glutamine, which is neutral and polar, with histidine, which is basic and polar, at codon 1182 of the DICER1 protein (p.Gln1182His). This variant is not present in population databases (gnomAD no frequency). This variant has not been reported in the literature in individuals affected with DICER1-related conditions. Advanced modeling of protein sequence and biophysical properties (such as structural, functional, and spatial information, amino acid conservation, physicochemical variation, residue mobility, and thermodynamic stability) performed at Invitae indicates that this missense variant is not expected to disrupt DICER1 protein function with a negative predictive value of 80%. In summary, the available evidence is currently insufficient to determine the role of this variant in disease. Therefore, it has been classified as a Variant of Uncertain Significance.

NM_177438.3(DICER1):c.3546A>C (p.Gln1182His)

Gene: DICER1 (dicer 1, ribonuclease III; minus strand). Cytogenetic location: 14q32.13.
Variant type: single nucleotide variant.
Coding change: c.3546A>C on transcript NM_177438.3 (MANE Select); coding-DNA position 3546, A replaced by C.
Protein change: p.Gln1182His; replaces glutamine 1182 with histidine.
Molecular consequence: missense variant. On other transcripts: non-coding transcript variant (6).
Genome position (GRCh38, 1-based): chr14:95,103,850, T>G on the plus strand (A>C on the coding strand, the complement: DICER1 is on the minus strand). VCF-style: chr14-95103850-T-G. GRCh37 (hg19) VCF-style: chr14-95570187-T-G.
Other names: c.3546A>C, p.Gln1182His (NM_001195573.1, NM_001271282.3, NM_001291628.2 and 12 more transcripts); c.3264A>C, p.Gln1088His (NM_001395686.1); c.3141A>C, p.Gln1047His (NM_001395687.1, NM_001395688.1, NM_001395689.1 and 2 more transcripts); c.2979A>C, p.Gln993His (NM_001395691.1); c.1863A>C, p.Gln621His (NM_001395697.1); short protein forms Q621H, Q993H, Q1047H, Q1182H, Q1088H.
Identifiers: ClinVar variation 3670159 (VCV003670159.2).
Genomic context (GRCh38, chr14:95,103,850, plus strand): 5'-TAGCTGATTTCCTTGGCAAAAGTCTCTGTTAGCTAAATCATAACTGCCATTGGCGAGATT[T>G]TGATTGTAAGAAAGACCATTAATTGCTGTAAGATCTGCTGAAACTTCAACGTGGAGCTTA-3'
Protein context (NP_803187.1, residues 1172-1192): LTAINGLSYN[Gln1182His]NLANGSYDLA